The following is an entry in ClinVar:

NM_000173.7(GP1BA):c.793G>T (p.Asp265Tyr)

Gene: GP1BA (glycoprotein Ib platelet subunit alpha; plus strand). Cytogenetic location: 17p13.2.
Variant type: single nucleotide variant.
Coding change: c.793G>T on transcript NM_000173.7 (MANE Select); coding-DNA position 793, G replaced by T.
Protein change: p.Asp265Tyr; replaces aspartic acid 265 with tyrosine.
Molecular consequence: missense variant.
Genome position (GRCh38, 1-based): chr17:4,933,397, G>T. VCF-style: chr17-4933397-G-T. GRCh37 (hg19) VCF-style: chr17-4836692-G-T.
Other names: short protein forms D265Y.
Identifiers: ClinVar variation 1677262 (VCV001677262.1), dbSNP rs765474118, ClinGen allele CA397318673.

ClinVar aggregate classification (germline): Pathogenic (1 of 4 stars; one submission).

Conditions:
Pseudo von Willebrand disease (VWDP). Also called: Platelet-type von Willebrand disease; BLEEDING DISORDER, PLATELET-TYPE, 3. Identifiers: Orphanet 52530, MedGen C1280798, MONDO:0008332, OMIM 177820.

Submission:

ISTH-SSC Genomics in Thrombosis and Hemostasis, KU Leuven, Center for Molecular and Vascular Biology
Classification: Pathogenic for Pseudo von Willebrand disease. Review status: criteria provided, single submitter. Criteria: ACMG Guidelines, 2015. Collection method: clinical testing. Allele origin: unknown, paternal. Affected: yes. Observed: 2 heterozygotes.
Comment: GoldVariant submitter: Maha Othman for Iranian Comprehensive Haemophilia Care Centre, Iran

Literature cited by the submitters: PubMed 34355501.